The following is an entry in ClinVar:

NM_018444.4(PDP1):c.1213C>T (p.Arg405Ter)

Gene: PDP1 (pyruvate dehydrogenase phosphatase catalytic subunit 1; plus strand). Cytogenetic location: 8q22.1.
Variant type: single nucleotide variant.
Coding change: c.1213C>T on transcript NM_018444.4 (MANE Select); coding-DNA position 1213, C replaced by T.
Protein change: p.Arg405Ter; replaces arginine 405 with a stop codon.
Molecular consequence: nonsense.
Genome position (GRCh38, 1-based): chr8:93,923,272, C>T. VCF-style: chr8-93923272-C-T. GRCh37 (hg19) VCF-style: chr8-94935500-C-T.
Other names: c.1288C>T, p.Arg430Ter (NM_001161779.2, NM_001161780.2); c.1213C>T, p.Arg405Ter (NM_001161781.2); short protein forms R405*, R430*.
Identifiers: ClinVar variation 4698337 (VCV004698337.2).

ClinVar aggregate classification (germline): Conflicting classifications of pathogenicity. Review status: criteria provided, conflicting classifications (1 of 4 stars). 2 submissions from 2 submitters: Likely pathogenic (1); Uncertain significance (1). Last evaluated 2026-07-01.

Submissions (2):

CeGaT Center for Human Genetics Tuebingen
Classification: Likely pathogenic. Last evaluated: 2026-07-01. Review status: criteria provided, single submitter. Criteria: CeGaT Center For Human Genetics Tuebingen Variant Classification Criteria Version 2. Collection method: clinical testing. Allele origin: germline. Affected: yes. Observed: 1 variant allele.
Comment: PDP1: PVS1:Strong, PM2, PM3:Supporting

Labcorp Genetics (formerly Invitae), Labcorp
Classification: Uncertain significance. Last evaluated: 2025-08-22. Review status: criteria provided, single submitter. Criteria: Invitae Variant Classification Sherloc (09022015). Collection method: clinical testing. Allele origin: germline.
Comment: This sequence change creates a premature translational stop signal (p.Arg405*) in the PDP1 gene. While this is not anticipated to result in nonsense mediated decay, it is expected to disrupt the last 133 amino acid(s) of the PDP1 protein. This variant is present in population databases (rs377342640, gnomAD 0.007%). This variant has not been reported in the literature in individuals affected with PDP1-related conditions. Experimental studies and prediction algorithms are not available or were not evaluated, and the functional significance of this variant is currently unknown. In summary, the available evidence is currently insufficient to determine the role of this variant in disease. Therefore, it has been classified as a Variant of Uncertain Significance.